The following is an entry in ClinVar:

NM_004329.3(BMPR1A):c.334-7_334-5del

Gene: BMPR1A (bone morphogenetic protein receptor type 1A; plus strand). Cytogenetic location: 10q23.2.
Variant type: Microsatellite.
Coding change: c.334-7_334-5del on transcript NM_004329.3 (MANE Select); 7 bases into the intron before coding-DNA position 334 through 5 bases into the intron before coding-DNA position 334, 3 bases deleted (CTT; older notation c.334-7_334-5delCTT).
Molecular consequence: intron variant.
Genome position (GRCh38, 1-based): chr10:86,899,787-86,899,789, CTT deleted; deleting any 3 consecutive bases within chr10:86,899,783-86,899,789 gives the same sequence; the c. name uses the placement nearest the transcript's 3' end. VCF-style (leftmost placement, unchanged base first): chr10-86899782-CTCT-C. GRCh37 (hg19) VCF-style: chr10-88659539-CTCT-C.
Other names: c.334-7_334-5delCTT (NM_004329.2).
Identifiers: ClinVar variation 490993 (VCV000490993.19), dbSNP rs1182437783, ClinGen allele CA594896300.

ClinVar aggregate classification (germline): Likely benign. Review status: criteria provided, multiple submitters, no conflicts (2 of 4 stars). 6 submissions from 6 submitters: Likely benign (6). Last evaluated 2025-09-08.

Conditions:
BMPR1A-related disorder. Also called: BMPR1A-related condition.
Juvenile polyposis syndrome (JPS). Identifiers: Orphanet 2929, MedGen C0345893, MONDO:0017380, OMIM 174900.
Hereditary cancer-predisposing syndrome. Also called: Neoplastic Syndromes, Hereditary; Hereditary Cancer Syndrome; Tumor predisposition; Hereditary neoplastic syndrome. Identifiers: Orphanet 140162, MedGen C0027672, MeSH D009386, MONDO:0015356.

Submissions (6):

Labcorp Genetics (formerly Invitae), Labcorp
Classification: Likely benign for Juvenile polyposis syndrome. Last evaluated: 2025-09-08. Review status: criteria provided, single submitter. Criteria: Invitae Variant Classification Sherloc (09022015). Collection method: clinical testing. Allele origin: germline.

PreventionGenetics, part of Exact Sciences
Classification: Likely benign for BMPR1A-related condition. Last evaluated: 2025-07-08. Review status: criteria provided, single submitter. Criteria: ACMG Guidelines, 2015. Collection method: clinical testing. Allele origin: germline.
Comment: This variant is classified as likely benign based on ACMG/AMP sequence variant interpretation guidelines (Richards et al. 2015 PMID: 25741868, with internal and published modifications).

Myriad Genetics, Inc.
Classification: Likely benign for Juvenile polyposis syndrome. Last evaluated: 2024-08-01. Review status: criteria provided, single submitter. Criteria: Myriad Autosomal Dominant, Autosomal Recessive and X-Linked Classification Criteria (2023). Collection method: clinical testing. Allele origin: unknown.
Comment: This variant is considered likely benign. This variant is intronic and is not expected to impact mRNA splicing.

Ambry Genetics
Classification: Likely benign for Hereditary cancer-predisposing syndrome. Last evaluated: 2024-06-15. Review status: criteria provided, single submitter. Criteria: Ambry Variant Classification Scheme 2023. Collection method: clinical testing. Allele origin: germline.

GeneDx
Classification: Likely benign. Last evaluated: 2020-08-25. Review status: criteria provided, single submitter. Criteria: GeneDx Variant Classification Process June 2021. Collection method: clinical testing. Allele origin: germline. Affected: yes.

Color Diagnostics, LLC DBA Color Health
Classification: Likely benign for Hereditary cancer-predisposing syndrome. Last evaluated: 2016-07-18. Review status: criteria provided, single submitter. Criteria: ACMG Guidelines, 2015. Collection method: clinical testing. Allele origin: germline.